The following is an entry in ClinVar:

NM_006245.4(PPP2R5D):c.1518G>C (p.Trp506Cys)

Gene: PPP2R5D (protein phosphatase 2 regulatory subunit B'delta; plus strand). Cytogenetic location: 6p21.1.
Variant type: single nucleotide variant.
Coding change: c.1518G>C on transcript NM_006245.4 (MANE Select); coding-DNA position 1518, G replaced by C.
Protein change: p.Trp506Cys; replaces tryptophan 506 with cysteine.
Molecular consequence: missense variant.
Genome position (GRCh38, 1-based): chr6:43,010,700, G>C. VCF-style: chr6-43010700-G-C. GRCh37 (hg19) VCF-style: chr6-42978438-G-C.
Other names: c.1065G>C, p.Trp355Cys (NM_001270476.2); c.1422G>C, p.Trp474Cys (NM_180976.3); c.1200G>C, p.Trp400Cys (NM_180977.3); short protein forms W355C, W506C, W474C, W400C.
Identifiers: ClinVar variation 3661652 (VCV003661652.2).

ClinVar aggregate classification (germline): Uncertain significance (1 of 4 stars; one submission).

Submission:

Labcorp Genetics (formerly Invitae), Labcorp
Classification: Uncertain significance. Last evaluated: 2024-08-14. Review status: criteria provided, single submitter. Criteria: Invitae Variant Classification Sherloc (09022015). Collection method: clinical testing. Allele origin: germline.
Comment: This sequence change replaces tryptophan, which is neutral and slightly polar, with cysteine, which is neutral and slightly polar, at codon 506 of the PPP2R5D protein (p.Trp506Cys). This variant is not present in population databases (gnomAD no frequency). This variant has not been reported in the literature in individuals affected with PPP2R5D-related conditions. An algorithm developed to predict the effect of missense changes on protein structure and function (PolyPhen-2) suggests that this variant is likely to be disruptive. In summary, the available evidence is currently insufficient to determine the role of this variant in disease. Therefore, it has been classified as a Variant of Uncertain Significance.